The following is an entry in ClinVar:

ClinVar aggregate classification (germline): Uncertain significance (1 of 4 stars; one submission).

Allele frequency attached by ClinVar (database versions not stated): gnomAD exomes below 0.00001.
gnomAD v4.1: 3 of 1,614,100 alleles (0.00019%); highest among the groups gnomAD compares: Non-Finnish European, 0.00017%; no homozygotes.

Submission:

Labcorp Genetics (formerly Invitae), Labcorp
Classification: Uncertain significance. Last evaluated: 2022-10-04. Review status: criteria provided, single submitter. Criteria: Invitae Variant Classification Sherloc (09022015). Collection method: clinical testing. Allele origin: germline.
Comment: In summary, the available evidence is currently insufficient to determine the role of this variant in disease. Therefore, it has been classified as a Variant of Uncertain Significance. Algorithms developed to predict the effect of missense changes on protein structure and function (SIFT, PolyPhen-2, Align-GVGD) all suggest that this variant is likely to be disruptive. ClinVar contains an entry for this variant (Variation ID: 1443459). This variant has not been reported in the literature in individuals affected with GRM6-related conditions. This variant is not present in population databases (gnomAD no frequency). This sequence change replaces glutamic acid, which is acidic and polar, with lysine, which is basic and polar, at codon 777 of the GRM6 protein (p.Glu777Lys).

NM_000843.4(GRM6):c.2329G>A (p.Glu777Lys)

Genes: GRM6 (glutamate metabotropic receptor 6; minus strand), ZNF454 (zinc finger protein 454; plus strand). Cytogenetic location: 5q35.3.
Variant type: single nucleotide variant.
Coding change: c.2329G>A on transcript NM_000843.4 (MANE Select); coding-DNA position 2329, G replaced by A.
Protein change: p.Glu777Lys; replaces glutamic acid 777 with lysine.
Molecular consequence: missense variant.
Genome position (GRCh38, 1-based): chr5:178,983,017, C>T on the plus strand (G>A on the coding strand, the complement: GRM6 is on the minus strand). VCF-style: chr5-178983017-C-T. GRCh37 (hg19) VCF-style: chr5-178410018-C-T.
Other names: short protein forms E777K.
Identifiers: ClinVar variation 1443459 (VCV001443459.6), dbSNP rs1760430904, ClinGen allele CA362424453.